The following is an entry in ClinVar:

NM_015375.3(DSTYK):c.305A>G (p.Lys102Arg)

Gene: DSTYK (dual serine/threonine and tyrosine protein kinase; minus strand). Cytogenetic location: 1q32.1.
Variant type: single nucleotide variant.
Coding change: c.305A>G on transcript NM_015375.3 (MANE Select); coding-DNA position 305, A replaced by G.
Protein change: p.Lys102Arg; replaces lysine 102 with arginine.
Molecular consequence: missense variant.
Genome position (GRCh38, 1-based): chr1:205,187,767, T>C on the plus strand (A>G on the coding strand, the complement: DSTYK is on the minus strand). VCF-style: chr1-205187767-T-C. GRCh37 (hg19) VCF-style: chr1-205156895-T-C.
Other names: c.305A>G, p.Lys102Arg (NM_199462.3); short protein forms K102R.
Identifiers: ClinVar variation 4766467 (VCV004766467.1).

ClinVar aggregate classification (germline): Uncertain significance (1 of 4 stars; one submission).

Submission:

Labcorp Genetics (formerly Invitae), Labcorp
Classification: Uncertain significance. Last evaluated: 2025-03-12. Review status: criteria provided, single submitter. Criteria: Invitae Variant Classification Sherloc (09022015). Collection method: clinical testing. Allele origin: germline.
Comment: This sequence change replaces lysine, which is basic and polar, with arginine, which is basic and polar, at codon 102 of the DSTYK protein (p.Lys102Arg). This variant is not present in population databases (gnomAD no frequency). This variant has not been reported in the literature in individuals affected with DSTYK-related conditions. An algorithm developed to predict the effect of missense changes on protein structure and function (PolyPhen-2) suggests that this variant is likely to be tolerated. In summary, the available evidence is currently insufficient to determine the role of this variant in disease. Therefore, it has been classified as a Variant of Uncertain Significance.